The following is an entry in ClinVar:

ClinVar aggregate classification (germline): Conflicting classifications of pathogenicity. Review status: criteria provided, conflicting classifications (1 of 4 stars). 7 submissions from 7 submitters: Pathogenic (5); Uncertain significance (2). Last evaluated 2026-06-30.

Conditions:
Thyroid dyshormonogenesis 6 (TDH6). Also called: Genetic transient congenital hypothyroidism; THYROID HORMONOGENESIS, GENETIC DEFECT IN, 6; HYPOTHYROIDISM, CONGENITAL, DUE TO DYSHORMONOGENESIS, 6. Identifiers: Orphanet 226316, Orphanet 95716, MedGen C1846632, MONDO:0011792, OMIM 607200.

Allele frequency attached by ClinVar (database versions not stated): gnomAD exomes 0.00005 and 0.00019; gnomAD 0.00008 and 0.00009; ExAC 0.00020; TOPMed 0.00029; 1000 Genomes Project 30x 0.00031; 1000 Genomes Project 0.00040.

Submissions (7):

Women's Health and Genetics/Laboratory Corporation of America, LabCorp
Classification: Uncertain significance. Last evaluated: 2026-06-30. Review status: criteria provided, single submitter. Criteria: LabCorp Variant Classification Summary - May 2015. Collection method: clinical testing. Allele origin: germline.
Comment: Variant summary: DUOX2 c.3329G>A (p.Arg1110Gln) results in a conservative amino acid change in the encoded protein sequence. Algorithms developed to predict the effect of missense changes on protein structure and function are either unavailable or do not agree on the potential impact of this missense change. The variant allele was found at a frequency of 0.00019 in 251480 control chromosomes, predominantly at a frequency of 0.0024 within the East Asian subpopulation in the gnomAD database. The observed variant frequency within East Asian control individuals in the gnomAD database exceeds the estimated maximal expected allele frequency for disease-causing variants in DUOX2. c.3329G>A has been observed in individual(s) affected with features of Thyroid Dyshormonogenesis 6 (e.g. Jian_2016, Wang_2014, Tan_2016, Jin_2014, Chen_2018, Yoshizawa-Ogasawara_2016). These data indicate that the variant is likely to be associated with disease. At least one publication reports experimental evidence evaluating an impact on protein function. The most pronounced variant effect results in reduced H2O2 production (e.g. Yoshizawa-Ogasawara_2016, Jin_2014). The following publications have been ascertained in the context of this evaluation (PMID: 30154845, 27498126, 25248169, 27557340, 24735383, 26565538). ClinVar contains an entry for this variant (Variation ID: 420157). Based on the evidence outlined above, the variant was classified as VUS-possibly pathogenic.

Genesolutions, Medical Genetics Institutes, Ho Chi Minh City, Vietnam
Classification: Pathogenic for Thyroid dyshormonogenesis 6. Last evaluated: 2025-09-24. Review status: criteria provided, single submitter. Criteria: ACMG Guidelines, 2015. Collection method: clinical testing. Allele origin: germline. Affected: yes.

Labcorp Genetics (formerly Invitae), Labcorp
Classification: Uncertain significance. Last evaluated: 2025-03-31. Review status: criteria provided, single submitter. Criteria: Invitae Variant Classification Sherloc (09022015). Collection method: clinical testing. Allele origin: germline.
Comment: This sequence change replaces arginine, which is basic and polar, with glutamine, which is neutral and polar, at codon 1110 of the DUOX2 protein (p.Arg1110Gln). This variant is present in population databases (rs368488511, gnomAD 0.3%). This missense change has been observed in individual(s) with congenital hypothyroidism (both transient and permanent) (PMID: 24735383, 25248169, 26565538, 27498126, 27557340, 30154845). In at least one individual the data is consistent with being in trans (on the opposite chromosome) from a pathogenic variant. ClinVar contains an entry for this variant (Variation ID: 420157). Invitae Evidence Modeling of protein sequence and biophysical properties (such as structural, functional, and spatial information, amino acid conservation, physicochemical variation, residue mobility, and thermodynamic stability) indicates that this missense variant is expected to disrupt DUOX2 protein function with a positive predictive value of 80%. Experimental studies have shown that this missense change affects DUOX2 function (PMID: 21900383, 25248169, 26565538). In summary, the available evidence is currently insufficient to determine the role of this variant in disease. Therefore, it has been classified as a Variant of Uncertain Significance.

Fulgent Genetics
Classification: Pathogenic for Thyroid dyshormonogenesis 6. Last evaluated: 2024-06-21. Review status: criteria provided, single submitter. Criteria: ACMG Guidelines, 2015. Collection method: clinical testing. Allele origin: germline.

Genetic Services Laboratory, University of Chicago
Classification: Pathogenic. Last evaluated: 2020-09-01. Review status: criteria provided, single submitter. Criteria: ACMG Guidelines, 2015. Collection method: clinical testing. Allele origin: germline. Affected: yes.
Comment: DNA sequence analysis of the DUOX2 gene demonstrated a sequence change, c.3329G>A, in exon 25 that results in an amino acid change, p.Arg1110Gln. This sequence change has been described in the EXAC database with a low population frequency of 0.02% (dbSNP rs368488511). The p.Arg1110Gln change affects a highly conserved amino acid residue located in a domain of the DUOX2 protein that is known to be functional. The p.Arg1110Gln substitution has been previously reported in the heterozygous and compound heterozygous state in multiple unrelated individuals with permanent or transient congenital hypothyroidism (PMIDs: 21900383, 25248169, 27108200, 27166716; Yoshizawa-Ogasawara et al., 2016). The p.Arg1110Gln has also been reported in the homozygous state in one individual with adult-onset goiter and hypothyroidism (PMID: 18426362). Functional studies have demonstrated that the p.Arg1110Gln substitution is associated with reduced hydrogen peroxide production and reduced protein expression (PMIDs: 25248169; Yoshizawa-Ogasawara et al., 2016).

GeneDx
Classification: Pathogenic. Last evaluated: 2017-02-24. Review status: criteria provided, single submitter. Criteria: GeneDx Variant Classification (06012015). Collection method: clinical testing. Allele origin: germline. Affected: yes.
Comment: The R1110Q pathogenic variant in the DUOX2 gene has been reported previously in the heterozygous state and in combination with another DUOX2 variant in multiple unrelated individuals with congenital hypothyroidism (Narumi et al., 2011; Jin et al., 2014; Fu et al., 2016; Yoshizawa-Ogasawara et al., 2016; Matsuo et al., 2016). R1110Q has also been reported in the homozygous state in an individual with adult-onset goiter and hypothyroidism (Ohye et al., 2008). The R1110Q variant is not observed at a significant frequency in large population cohorts (Lek et al., 2016; 1000 Genomes Consortium et al., 2015; Exome Variant Server). The R1110Q variant is a semi-conservative amino acid substitution that occurs at a position that is conserved across species. Functional studies have shown that R1110Q is associated with reduced hydrogen peroxide production and reduced protein levels (Jin et al., 2014; Yoshizawa-Ogasawara et al., 2016). We interpret R1110Q as a pathogenic variant.

Juno Genomics, Hangzhou Juno Genomics, Inc
Classification: Pathogenic for Thyroid dyshormonogenesis 6. Review status: criteria provided, single submitter. Criteria: ACMG Guidelines, 2015. Collection method: clinical testing. Allele origin: germline.
Comment: Well-established in vitro or in vivo functional studies supportive of a damaging effect on the gene or gene product.;For recessive disorders, detected in trans with a pathogenic variant.;Co-segregation with disease in multiple affected family members.;Patient's phenotype or family history is highly specific for a disease with a single genetic etiology.

Literature cited by the submitters: PubMed 30154845 (cited by Women's Health and Genetics/Laboratory Corporation of America, LabCorp and Labcorp Genetics (formerly Invitae), Labcorp); PubMed 26565538 (cited by Women's Health and Genetics/Laboratory Corporation of America, LabCorp and Labcorp Genetics (formerly Invitae), Labcorp); PubMed 25248169 (cited by Women's Health and Genetics/Laboratory Corporation of America, LabCorp and Labcorp Genetics (formerly Invitae), Labcorp); PubMed 27557340 (cited by Women's Health and Genetics/Laboratory Corporation of America, LabCorp and Labcorp Genetics (formerly Invitae), Labcorp); PubMed 27498126 (cited by Women's Health and Genetics/Laboratory Corporation of America, LabCorp and Labcorp Genetics (formerly Invitae), Labcorp); PubMed 24735383 (cited by Women's Health and Genetics/Laboratory Corporation of America, LabCorp and Labcorp Genetics (formerly Invitae), Labcorp); PubMed 21900383 (cited by Labcorp Genetics (formerly Invitae), Labcorp).

NM_001363711.2(DUOX2):c.3329G>A (p.Arg1110Gln)

Gene: DUOX2 (dual oxidase 2; minus strand). Cytogenetic location: 15q21.1.
Variant type: single nucleotide variant.
Coding change: c.3329G>A on transcript NM_001363711.2 (MANE Select); coding-DNA position 3329, G replaced by A.
Protein change: p.Arg1110Gln; replaces arginine 1110 with glutamine.
Molecular consequence: missense variant.
Genome position (GRCh38, 1-based): chr15:45,099,748, C>T on the plus strand (G>A on the coding strand, the complement: DUOX2 is on the minus strand). VCF-style: chr15-45099748-C-T. GRCh37 (hg19) VCF-style: chr15-45391946-C-T.
Other names: c.3329G>A, p.Arg1110Gln (NM_014080.5); short protein forms R1110Q.
Identifiers: ClinVar variation 420157 (VCV000420157.20), dbSNP rs368488511, ClinGen allele CA7537915.